The following is an entry in ClinVar:

NM_144596.4(TTC8):c.1392G>A (p.Met464Ile)

Gene: TTC8 (tetratricopeptide repeat domain 8; plus strand). Cytogenetic location: 14q31.3.
Variant type: single nucleotide variant.
Coding change: c.1392G>A on transcript NM_144596.4 (MANE Select); coding-DNA position 1392, G replaced by A.
Protein change: p.Met464Ile; replaces methionine 464 with isoleucine.
Molecular consequence: missense variant. On other transcripts: non-coding transcript variant (1), intron variant (2).
Genome position (GRCh38, 1-based): chr14:88,875,070, G>A. VCF-style: chr14-88875070-G-A. GRCh37 (hg19) VCF-style: chr14-89341414-G-A.
Other names: c.1440G>A, p.Met480Ile (NM_001288781.1); c.798G>A, p.Met266Ile (NM_001288782.1); c.675G>A, p.Met225Ile (NM_001288783.1); c.1362G>A, p.Met454Ile (NM_198309.3); c.1272G>A, p.Met424Ile (NM_198310.3); c.1318-2224G>A (NM_001366535.2); c.1228-2224G>A (NM_001366536.2); short protein forms M266I, M424I, M454I, M225I, M464I, M480I.
Identifiers: ClinVar variation 4979303 (VCV004979303.1).
Genomic context (GRCh38, chr14:88,875,070, plus strand): 5'-TTATTTTTATACACAGGCAAGGGCACTATTACAAACTGCATCATCATTAGCACCCCATAT[G>A]TATGAACCGCATTTTAATTTTGCAACAATCTCTGATAAGGTATTCTCTTTCTTCATTAAT-3'
Protein context (NP_653197.2, residues 454-474): LQTASSLAPH[Met464Ile]YEPHFNFATI

ClinVar aggregate classification (germline): Uncertain significance (1 of 4 stars; one submission).

Conditions:
TTC8-related disorder. Also called: TTC8-related condition.

Submission:

PreventionGenetics, part of Exact Sciences
Classification: Uncertain significance for TTC8-related condition. Last evaluated: 2025-04-18. Review status: criteria provided, single submitter. Criteria: ACMG Guidelines, 2015. Collection method: clinical testing. Allele origin: germline.
Comment: The TTC8 c.1392G>A variant is predicted to result in the amino acid substitution p.Met464Ile. This variant has been reported in the heterozygous state in an individual from a study on genetic screening for youth with obesity, but no other clinical details were provided (Suppl Table 1. Roberts et al. 2022. PubMed ID: 35562395). This variant is reported in 0.0023% of alleles in individuals of European (Non-Finnish) descent in gnomAD. At this time, the clinical significance of this variant is uncertain due to the absence of conclusive functional and genetic evidence.